The following is an entry in ClinVar:

NM_006231.4(POLE):c.4444+9T>C

Gene: POLE (DNA polymerase epsilon, catalytic subunit; minus strand). Cytogenetic location: 12q24.33.
Variant type: single nucleotide variant.
Coding change: c.4444+9T>C on transcript NM_006231.4 (MANE Select); 9 bases into the intron after coding-DNA position 4444, T replaced by C.
Molecular consequence: intron variant.
Genome position (GRCh38, 1-based): chr12:132,643,398, A>G on the plus strand (T>C on the coding strand, the complement: POLE is on the minus strand). VCF-style: chr12-132643398-A-G. GRCh37 (hg19) VCF-style: chr12-133219984-A-G.
Identifiers: ClinVar variation 413588 (VCV000413588.11), dbSNP rs1060504072, ClinGen allele CA16613632.
Genomic context (GRCh38, chr12:132,643,398, plus strand): 5'-AGGAAACAAGACCGTCACCCCAGATGTGTGGGAGGCAGGCACATGATGGGCGGCTGGTGC[A>G]GGCCATACCTGGTTCCAGGTAGCTGAACTGGGCCAGAGAGCGCATCTCCAGGTGCTCAAG-3'

ClinVar aggregate classification (germline): Likely benign. Review status: criteria provided, multiple submitters, no conflicts (2 of 4 stars). 2 submissions from 2 submitters: Likely benign (2). Last evaluated 2023-11-24.

Submissions (2):

Labcorp Genetics (formerly Invitae), Labcorp
Classification: Likely benign. Last evaluated: 2023-11-24. Review status: criteria provided, single submitter. Criteria: Invitae Variant Classification Sherloc (09022015). Collection method: clinical testing. Allele origin: germline.

GeneDx
Classification: Likely benign. Last evaluated: 2017-07-18. Review status: criteria provided, single submitter. Criteria: GeneDx Variant Classification (06012015). Collection method: clinical testing. Allele origin: germline. Affected: yes.
Comment: This variant is considered likely benign or benign based on one or more of the following criteria: it is a conservative change, it occurs at a poorly conserved position in the protein, it is predicted to be benign by multiple in silico algorithms, and/or has population frequency not consistent with disease.